The following is an entry in ClinVar:

NM_014251.3(SLC25A13):c.1415C>T (p.Ser472Phe)

Gene: SLC25A13 (solute carrier family 25 member 13; minus strand). Cytogenetic location: 7q21.3.
Variant type: single nucleotide variant.
Coding change: c.1415C>T on transcript NM_014251.3 (MANE Select); coding-DNA position 1415, C replaced by T.
Protein change: p.Ser472Phe; replaces serine 472 with phenylalanine.
Molecular consequence: missense variant. On other transcripts: non-coding transcript variant (1).
Genome position (GRCh38, 1-based): chr7:96,146,593, G>A on the plus strand (C>T on the coding strand, the complement: SLC25A13 is on the minus strand). VCF-style: chr7-96146593-G-A. GRCh37 (hg19) VCF-style: chr7-95775905-G-A.
Other names: c.1418C>T, p.Ser473Phe (NM_001160210.2); c.1415C>T (NM_014251.2); short protein forms S472F, S473F.
Identifiers: ClinVar variation 1372027 (VCV001372027.5), dbSNP rs749990010, ClinGen allele CA4352934.

ClinVar aggregate classification (germline): Uncertain significance. Review status: criteria provided, multiple submitters, no conflicts (2 of 4 stars). 3 submissions from 3 submitters: Uncertain significance (3). Last evaluated 2025-01-31.

Conditions:
Citrin deficiency. Identifiers: Orphanet 247582, MedGen C1997910, MONDO:0016602.
Inborn genetic diseases. Identifiers: MedGen C0950123, MeSH D030342.
SLC25A13-related disorder. Also called: SLC25A13-related condition.

Allele frequency attached by ClinVar (database versions not stated): TOPMed below 0.00001.

Submissions (3):

PreventionGenetics, part of Exact Sciences
Classification: Uncertain significance for SLC25A13-related condition. Last evaluated: 2025-01-31. Review status: criteria provided, single submitter. Criteria: ACMG Guidelines, 2015. Collection method: clinical testing. Allele origin: germline.
Comment: The SLC25A13 c.1415C>T variant is predicted to result in the amino acid substitution p.Ser472Phe. To our knowledge, this variant has not been reported in the literature. This variant is reported in 0.0058% of alleles in individuals of Latino descent in gnomAD. At this time, the clinical significance of this variant is uncertain due to the absence of conclusive functional and genetic evidence.

Ambry Genetics
Classification: Uncertain significance for Inborn genetic diseases. Last evaluated: 2025-01-29. Review status: criteria provided, single submitter. Criteria: Ambry Variant Classification Scheme 2023. Collection method: clinical testing. Allele origin: germline.

Labcorp Genetics (formerly Invitae), Labcorp
Classification: Uncertain significance for Citrin deficiency. Last evaluated: 2022-01-17. Review status: criteria provided, single submitter. Criteria: Invitae Variant Classification Sherloc (09022015). Collection method: clinical testing. Allele origin: germline.
Comment: This sequence change replaces serine, which is neutral and polar, with phenylalanine, which is neutral and non-polar, at codon 472 of the SLC25A13 protein (p.Ser472Phe). This variant is present in population databases (rs749990010, gnomAD 0.006%). This variant has not been reported in the literature in individuals affected with SLC25A13-related conditions. Advanced modeling of protein sequence and biophysical properties (such as structural, functional, and spatial information, amino acid conservation, physicochemical variation, residue mobility, and thermodynamic stability) performed at Invitae indicates that this missense variant is not expected to disrupt SLC25A13 protein function. In summary, the available evidence is currently insufficient to determine the role of this variant in disease. Therefore, it has been classified as a Variant of Uncertain Significance.